The following is an entry in ClinVar:

ClinVar aggregate classification (germline): Pathogenic/Likely pathogenic. Review status: criteria provided, multiple submitters, no conflicts (2 of 4 stars). 23 submissions from 22 submitters: Pathogenic (10); Likely pathogenic (9). 4 of the submissions do not count toward it. Last evaluated 2026-08-06.

Conditions:
GYG1-related disorder. Also called: GYG1-related condition.
Glycogen storage disease XV (GSD15). Also called: GLYCOGENIN DEFICIENCY; GSD XV. Identifiers: Orphanet 263297, MedGen C3150754, MONDO:0013291, OMIM 613507.
Polyglucosan body myopathy type 2. Identifiers: Orphanet 456369, MedGen C4015452, MONDO:0014526, OMIM 616199.
Acute rhabdomyolysis. Identifiers: MedGen C3807306, HP:0008942.
GYG1-related disorders.
Glycogen storage disease. Also called: glycogen storage disorder; Disorder of glycogen metabolism. Identifiers: Orphanet 79201, MedGen C0017919, MONDO:0002412.

Allele frequency attached by ClinVar (database versions not stated): 1000 Genomes Project 30x 0.00031; 1000 Genomes Project 0.00040; ExAC 0.00091; gnomAD exomes 0.00102 and 0.00193; gnomAD 0.00107 and 0.00109; TOPMed 0.00118; ESP Exome Variant Server 0.00131.
gnomAD v4.1: 2,948 of 1,613,688 alleles (0.18%); highest among the groups gnomAD compares: Non-Finnish European, 0.23%; 2 homozygotes.

Submissions 1 to 12 of 28:

OLLIN Analises Genomicas, OLLIN
Classification: Likely pathogenic for Polyglucosan body myopathy type 2. Last evaluated: 2026-08-06. Review status: criteria provided, single submitter. Criteria: ACMG Guidelines 2015 PMID 25741868. Collection method: clinical testing. Allele origin: germline.
Comment: This missense variant, located in exon 3 (of 8), has been reported in ClinVar (accession VCV000162663.76), in gnomAD with an allele frequency of 0.18%, and in the scientific literature in individuals with GYG1 related disorders (PMID: 25272951, 27718144). Functional studies suggest that this variant may affect protein function, and in silico analysis predicts a deleterious effect (PMID: 25272951, 27718144). According to the currently available evidence, this variant has been classified as likely pathogenic (PS3_P, PM2_P, PP3_S).

CeGaT Center for Human Genetics Tuebingen
Classification: Likely pathogenic. Last evaluated: 2026-08-01. Review status: criteria provided, single submitter. Criteria: CeGaT Center For Human Genetics Tuebingen Variant Classification Criteria Version 2. Collection method: clinical testing. Allele origin: germline. Affected: yes. Observed: 7 variant alleles.
Comment: GYG1: PM3:Strong, PM2:Supporting, PP3, PS3:Supporting

PreventionGenetics, part of Exact Sciences
Classification: Pathogenic for GYG1-related condition. Last evaluated: 2026-02-06. Review status: criteria provided, single submitter. Criteria: ACMG Guidelines, 2015. Collection method: clinical testing. Allele origin: germline.
Comment: The GYG1 c.304G>C variant is predicted to result in the amino acid substitution p.Asp102His. This variant has been previously reported in the compound heterozygous state with a protein truncating variant in two different patients with polyglucosan body myopathy (Malfatti et al. 2014. PubMed ID: 25272951; Lefeuvre et al. 2020. PubMed ID: 32477874). The same variant was also found in the homozygous state via exome sequencing in three unrelated individuals who presented with cardiomyopathy (Hedberg-Oldfors et al. 2017. PubMed ID: 27718144). In all of these studies, morphological analysis revealed accumulation of glycogen and/or polyglucosan bodies in either skeletal or cardiac muscle. Furthermore, in vitro studies showed that the p.Asp102His change lead to the loss of GYG1 autoglucosylation, which would result in a non-functional GYG1 protein (Malfatti et al. 2014. PubMed ID: 25272951; Hedberg-Oldfors et al. 2017. PubMed ID: 27718144). This variant is reported in 0.18% of alleles in individuals of European (Non-Finnish) descent in gnomAD. This variant is interpreted as pathogenic.

Labcorp Genetics (formerly Invitae), Labcorp
Classification: Likely pathogenic for Polyglucosan body myopathy type 2; Glycogen storage disease XV. Last evaluated: 2026-02-01. Review status: criteria provided, single submitter. Criteria: Invitae Variant Classification Sherloc (09022015). Collection method: clinical testing. Allele origin: germline.
Comment: This sequence change replaces aspartic acid, which is acidic and polar, with histidine, which is basic and polar, at codon 102 of the GYG1 protein (p.Asp102His). This variant is present in population databases (rs143137713, gnomAD 0.2%), and has an allele count higher than expected for a pathogenic variant. This missense change has been observed in individuals with clinical features of glycogenin 1 deficiency (PMID: 25272951, 27718144, 31791869, 32477874). ClinVar contains an entry for this variant (Variation ID: 162663). Invitae Evidence Modeling of protein sequence and biophysical properties (such as structural, functional, and spatial information, amino acid conservation, physicochemical variation, residue mobility, and thermodynamic stability) indicates that this missense variant is expected to disrupt GYG1 protein function with a positive predictive value of 80%. Experimental studies have shown that this missense change affects GYG1 function (PMID: 25272951, 27718144). Algorithms developed to predict the effect of sequence changes on RNA splicing suggest that this variant may disrupt the consensus splice site. In summary, the currently available evidence indicates that the variant is pathogenic, but additional data are needed to prove that conclusively. Therefore, this variant has been classified as Likely Pathogenic.

Dasa
Classification: Pathogenic. Last evaluated: 2026-01-06. Review status: criteria provided, single submitter. Criteria: DASA Assertion Criteria. Collection method: clinical testing. Allele origin: germline.
Comment: NM_004130.4(GYG1):c.304G>C (p.Asp102His) is a missense variant that results in the substitution of aspartic acid with histidine. Functional evidence supports a deleterious effect on the gene or gene product (PMID: 25272951; PMID: 27718144; PMID: 32528171). This variant has been recurrently observed in individuals with related phenotype (PMID: 25272951; PMID: 27718144; PMID: 32528171). Multiple computational predictions support a deleterious effect on the gene or gene product. The variant is present at low frequency in population datasets. Based on the available data, this variant is classified as pathogenic.

Clinical Genetics Laboratory, University Hospital Schleswig-Holstein
Classification: Pathogenic for Polyglucosan body myopathy type 2. Last evaluated: 2025-11-05. Review status: criteria provided, single submitter. Criteria: ACMG Guidelines, 2015. Collection method: clinical testing. Allele origin: germline. Affected: yes. Observed: 1 homozygote.
Comment: ACMG criteria applied: PM2, PP3, PM3_Strong, PS3_Suporting, PM1

Women's Health and Genetics/Laboratory Corporation of America, LabCorp
Classification: Likely pathogenic for Polyglucosan body myopathy type 2. Last evaluated: 2025-11-03. Review status: criteria provided, single submitter. Criteria: LabCorp Variant Classification Summary - May 2015. Collection method: clinical testing. Allele origin: germline.
Comment: Variant summary: GYG1 c.304G>C (p.Asp102His) results in a non-conservative amino acid change in the encoded protein sequence. Algorithms developed to predict the effect of missense changes on protein structure and function all suggest that this variant is likely to be disruptive. The variant allele was found at a frequency of 0.001 in 251340 control chromosomes. This frequency is not significantly higher than estimated for disease-causing variants in GYG1, allowing no conclusion about variant significance. c.304G>C has been reported in the literature as a biallelic homozygous or compound heterozygous genotype in multiple individuals affected with features of Polyglucosan Body Myopathy Type 2 (Malfatti_2014, Hedber-Oldfors_2017, Topf_2020). These data indicate that the variant is likely to be associated with disease. Two publications that an assay of autoglucosylation in vitro did not show any gel shift after the addition of UDP glucose, suggesting nonfunctional glycogenin-1 (Malfatti_2014, Hedberg-Oldfors_2017). The following publications have been ascertained in the context of this evaluation (PMID: 27718144, 26944241, 25272951, 32528171). ClinVar contains an entry for this variant (Variation ID: 162663). Based on the evidence outlined above, the variant was classified as likely pathogenic.

NHS Central & South Genomic Laboratory Hub
Classification: Likely pathogenic for Acute Rhabdomyolysis. Last evaluated: 2025-10-21. Review status: criteria provided, single submitter. Criteria: ACMG Guidelines, 2015. Collection method: clinical testing. Allele origin: germline. Affected: yes.

Mayo Clinic Laboratories, Mayo Clinic
Classification: Likely pathogenic. Last evaluated: 2025-04-17. Review status: criteria provided, single submitter. Criteria: ACMG Guidelines, 2015. Collection method: clinical testing. Allele origin: germline. Observed: 4 variant alleles.
Comment: PP3_strong, PP4, PM3, PS3_moderate

Revvity Omics, Revvity
Classification: Likely pathogenic. Last evaluated: 2025-03-27. Review status: criteria provided, single submitter. Criteria: ACMG Guidelines, 2015. Collection method: clinical testing. Allele origin: germline.

GeneDx
Classification: Pathogenic. Last evaluated: 2025-01-27. Review status: criteria provided, single submitter. Criteria: GeneDx Variant Classification Process June 2021. Collection method: clinical testing. Allele origin: germline. Affected: yes.
Comment: In silico analysis supports that this missense variant has a deleterious effect on protein structure/function; This variant is associated with the following publications: (PMID: 29422440, 34662886, 25272951, 27718144, 25741868, 31980526, 34426522, 31589614, 32528171, 31791869, 32477874)

Blueprint Genetics
Classification: Likely pathogenic for GYG1-related disorders. Last evaluated: 2024-11-21. Review status: criteria provided, single submitter. Criteria: ACMG Guidelines, 2015. Collection method: clinical testing. Allele origin: germline. Affected: yes. Observed: 5 variant alleles.

NM_004130.4(GYG1):c.304G>C (p.Asp102His)

Gene: GYG1 (glycogenin 1; plus strand). Cytogenetic location: 3q24.
Variant type: single nucleotide variant.
Coding change: c.304G>C on transcript NM_004130.4 (MANE Select); coding-DNA position 304, G replaced by C.
Protein change: p.Asp102His; replaces aspartic acid 102 with histidine.
Molecular consequence: missense variant.
Genome position (GRCh38, 1-based): chr3:148,996,462, G>C. VCF-style: chr3-148996462-G-C. GRCh37 (hg19) VCF-style: chr3-148714249-G-C.
Other names: c.304G>C (NM_001184720.1); c.304G>C, p.Asp102His (NM_001184720.2, NM_001184721.2); short protein forms D102H.
Identifiers: ClinVar variation 162663 (VCV000162663.80), dbSNP rs143137713, ClinGen allele CA175129.